The following is an entry in ClinVar:

ClinVar aggregate classification (germline): Uncertain significance (1 of 4 stars; one submission).

Conditions:
Nephronophthisis. Also called: Juvenile Nephronophthisis. Identifiers: Orphanet 655, MedGen C0687120, MONDO:0019005, HP:0000090.

Allele frequency attached by ClinVar (database versions not stated): TOPMed below 0.00001.

Submission:

Labcorp Genetics (formerly Invitae), Labcorp
Classification: Uncertain significance for Nephronophthisis. Last evaluated: 2022-08-15. Review status: criteria provided, single submitter. Criteria: Invitae Variant Classification Sherloc (09022015). Collection method: clinical testing. Allele origin: germline.
Comment: This sequence change replaces glutamic acid, which is acidic and polar, with alanine, which is neutral and non-polar, at codon 968 of the INVS protein (p.Glu968Ala). This variant is not present in population databases (gnomAD no frequency). This variant has not been reported in the literature in individuals affected with INVS-related conditions. ClinVar contains an entry for this variant (Variation ID: 1424878). Algorithms developed to predict the effect of missense changes on protein structure and function are either unavailable or do not agree on the potential impact of this missense change (SIFT: "Deleterious"; PolyPhen-2: "Benign"; Align-GVGD: "Class C0"). In summary, the available evidence is currently insufficient to determine the role of this variant in disease. Therefore, it has been classified as a Variant of Uncertain Significance.

NM_014425.5(INVS):c.2903A>C (p.Glu968Ala)

Gene: INVS (inversin; plus strand). Cytogenetic location: 9q31.1.
Variant type: single nucleotide variant.
Coding change: c.2903A>C on transcript NM_014425.5 (MANE Select); coding-DNA position 2903, A replaced by C.
Protein change: p.Glu968Ala; replaces glutamic acid 968 with alanine.
Molecular consequence: missense variant. On other transcripts: non-coding transcript variant (1).
Genome position (GRCh38, 1-based): chr9:100,297,033, A>C. VCF-style: chr9-100297033-A-C. GRCh37 (hg19) VCF-style: chr9-103059315-A-C.
Other names: c.2615A>C, p.Glu872Ala (NM_001318381.2); c.1925A>C, p.Glu642Ala (NM_001318382.2); short protein forms E642A, E872A, E968A.
Identifiers: ClinVar variation 1424878 (VCV001424878.3), dbSNP rs1366429329, ClinGen allele CA374245213.